The following is an entry in ClinVar:

ClinVar aggregate classification (germline): Uncertain significance. Review status: criteria provided, multiple submitters, no conflicts (2 of 4 stars). 2 submissions from 2 submitters: Uncertain significance (2). Last evaluated 2022-08-26.

Conditions:
Inborn genetic diseases. Identifiers: MedGen C0950123, MeSH D030342.

Allele frequency attached by ClinVar (database versions not stated): TOPMed below 0.00001; gnomAD exomes 0.00001.
gnomAD v4.1: 10 of 1,612,966 alleles (0.00062%); highest among the groups gnomAD compares: Non-Finnish European, 0.00085%; no homozygotes.

Submissions (2):

Ambry Genetics
Classification: Uncertain significance for Inborn genetic diseases. Last evaluated: 2022-08-26. Review status: criteria provided, single submitter. Criteria: Ambry Variant Classification Scheme 2023. Collection method: clinical testing. Allele origin: germline.

Labcorp Genetics (formerly Invitae), Labcorp
Classification: Uncertain significance. Last evaluated: 2021-08-30. Review status: criteria provided, single submitter. Criteria: Invitae Variant Classification Sherloc (09022015). Collection method: clinical testing. Allele origin: germline.
Comment: This sequence change replaces glycine with glutamic acid at codon 587 of the ERCC3 protein (p.Gly587Glu). The glycine residue is moderately conserved and there is a moderate physicochemical difference between glycine and glutamic acid. This variant is not present in population databases (ExAC no frequency). This variant has not been reported in the literature in individuals affected with ERCC3-related conditions. Algorithms developed to predict the effect of missense changes on protein structure and function (SIFT, PolyPhen-2, Align-GVGD) all suggest that this variant is likely to be tolerated. In summary, the available evidence is currently insufficient to determine the role of this variant in disease. Therefore, it has been classified as a Variant of Uncertain Significance.

NM_000122.2(ERCC3):c.1760G>A (p.Gly587Glu)

Gene: ERCC3 (ERCC excision repair 3, TFIIH core complex helicase subunit; minus strand). Cytogenetic location: 2q14.3.
Variant type: single nucleotide variant.
Coding change: c.1760G>A on transcript NM_000122.2 (MANE Select); coding-DNA position 1760, G replaced by A.
Protein change: p.Gly587Glu; replaces glycine 587 with glutamic acid.
Molecular consequence: missense variant.
Genome position (GRCh38, 1-based): chr2:127,272,932, C>T on the plus strand (G>A on the coding strand, the complement: ERCC3 is on the minus strand). VCF-style: chr2-127272932-C-T. GRCh37 (hg19) VCF-style: chr2-128030508-C-T.
Other names: c.1568G>A, p.Gly523Glu (NM_001303416.2, NM_001303418.2); c.1760G>A (NM_000122.1); short protein forms G587E, G523E.
Identifiers: ClinVar variation 1474385 (VCV001474385.6), dbSNP rs1684606993, ClinGen allele CA348387861.
Genomic context (GRCh38, chr2:127,272,932, plus strand): 5'-ATGAAGATGGTGTTAATTTTGGGGTTGTGCTTGAAATTCTGGAGAATTTGCATCCTTTCC[C>T]CCTGAGACGTAGGTCCGTAGATATAGGGTCTAGAGAAGAATGAAGCTGTGTTAGACCACA-3'
Protein context (NP_000113.1, residues 577-597): KPYIYGPTSQ[Gly587Glu]ERMQILQNFK